The following is an entry in ClinVar:

ClinVar aggregate classification (germline): Uncertain significance (1 of 4 stars; one submission).

Conditions:
Progressive familial heart block type IB (PFHB1B). Identifiers: Orphanet 871, MedGen C1970298, MONDO:0011474, OMIM 604559.

Submission:

Labcorp Genetics (formerly Invitae), Labcorp
Classification: Uncertain significance for Progressive familial heart block type IB. Last evaluated: 2023-07-17. Review status: criteria provided, single submitter. Criteria: Invitae Variant Classification Sherloc (09022015). Collection method: clinical testing. Allele origin: germline.
Comment: In summary, the available evidence is currently insufficient to determine the role of this variant in disease. Therefore, it has been classified as a Variant of Uncertain Significance. ClinVar contains an entry for this variant (Variation ID: 1488161). This variant has not been reported in the literature in individuals affected with TRPM4-related conditions. This variant is not present in population databases (gnomAD no frequency). This sequence change creates a premature translational stop signal (p.Leu554Alafs*17) in the TRPM4 gene. It is expected to result in an absent or disrupted protein product. However, the current clinical and genetic evidence is not sufficient to establish whether loss-of-function variants in TRPM4 cause disease.

NM_017636.4(TRPM4):c.1658_1659insAG (p.Leu554fs)

Gene: TRPM4 (transient receptor potential cation channel subfamily M member 4; plus strand). Cytogenetic location: 19q13.33.
Variant type: Insertion.
Coding change: c.1658_1659insAG on transcript NM_017636.4 (MANE Select); coding-DNA positions 1658 to 1659, AG inserted.
Protein change: p.Leu554fs; shifts the reading frame from leucine 554.
Molecular consequence: frameshift variant.
Genome position: GRCh38 VCF-style: chr19-49183126-G-GGA. GRCh37 (hg19) VCF-style: chr19-49686383-G-GGA.
Other names: c.1658_1659insAG, p.Leu554fs (NM_001195227.2); c.1313_1314insAG, p.Leu439fs (NM_001321281.2); c.50_51insAG, p.Leu18fs (NM_001321282.2); c.1136_1137insAG, p.Leu380fs (NM_001321283.2); c.596_597insAG, p.Leu200fs (NM_001321285.2); short protein forms L200fs, L380fs, L18fs, L439fs, L554fs.
Identifiers: ClinVar variation 1488161 (VCV001488161.6), dbSNP rs2122940788, ClinGen allele CA2573156662.